The following is an entry in ClinVar:

ClinVar aggregate classification (germline): Uncertain significance (1 of 4 stars; one submission).

Allele frequency attached by ClinVar (database versions not stated): gnomAD exomes below 0.00001; TOPMed below 0.00001.
gnomAD v4.1: 2 of 1,614,104 alleles (0.00012%); highest among the groups gnomAD compares: Non-Finnish European, 0.00017%; no homozygotes.

Submission:

Labcorp Genetics (formerly Invitae), Labcorp
Classification: Uncertain significance. Last evaluated: 2025-08-11. Review status: criteria provided, single submitter. Criteria: Invitae Variant Classification Sherloc (09022015). Collection method: clinical testing. Allele origin: germline.
Comment: This sequence change replaces threonine, which is neutral and polar, with methionine, which is neutral and non-polar, at codon 874 of the PLXNA2 protein (p.Thr874Met). This variant is not present in population databases (gnomAD no frequency). This variant has not been reported in the literature in individuals affected with PLXNA2-related conditions. ClinVar contains an entry for this variant (Variation ID: 1437950). Invitae Evidence Modeling of protein sequence and biophysical properties (such as structural, functional, and spatial information, amino acid conservation, physicochemical variation, residue mobility, and thermodynamic stability) indicates that this missense variant is expected to disrupt PLXNA2 protein function with a positive predictive value of 80%. In summary, the available evidence is currently insufficient to determine the role of this variant in disease. Therefore, it has been classified as a Variant of Uncertain Significance.

NM_025179.4(PLXNA2):c.2621C>T (p.Thr874Met)

Gene: PLXNA2 (plexin A2; minus strand). Cytogenetic location: 1q32.2.
Variant type: single nucleotide variant.
Coding change: c.2621C>T on transcript NM_025179.4 (MANE Select); coding-DNA position 2621, C replaced by T.
Protein change: p.Thr874Met; replaces threonine 874 with methionine.
Molecular consequence: missense variant.
Genome position (GRCh38, 1-based): chr1:208,060,803, G>A on the plus strand (C>T on the coding strand, the complement: PLXNA2 is on the minus strand). VCF-style: chr1-208060803-G-A. GRCh37 (hg19) VCF-style: chr1-208234148-G-A.
Other names: short protein forms T874M.
Identifiers: ClinVar variation 1437950 (VCV001437950.6), dbSNP rs955150227, ClinGen allele CA36719167.